The following is an entry in ClinVar:

ClinVar aggregate classification (germline): Uncertain significance. Review status: criteria provided, multiple submitters, no conflicts (2 of 4 stars). 2 submissions from 2 submitters: Uncertain significance (2). Last evaluated 2026-02-01.

Conditions:
Pituitary adenoma 5, multiple types. Identifiers: MedGen C4539685, MONDO:0054601, OMIM 617540.

Allele frequency attached by ClinVar (database versions not stated): TOPMed below 0.00001; gnomAD 0.00001.
gnomAD v4.1: 2 of 1,612,496 alleles (0.00012%); highest among the groups gnomAD compares: Non-Finnish European, 0.00017%; no homozygotes.

Submissions (2):

CeGaT Center for Human Genetics Tuebingen
Classification: Uncertain significance. Last evaluated: 2026-02-01. Review status: criteria provided, single submitter. Criteria: CeGaT Center For Human Genetics Tuebingen Variant Classification Criteria Version 2. Collection method: clinical testing. Allele origin: germline. Affected: yes. Observed: 1 variant allele.
Comment: CDH23: PM2

Centre for Mendelian Genomics, University Medical Centre Ljubljana
Classification: Uncertain significance for Pituitary adenoma 5, multiple types. Last evaluated: 2019-11-12. Review status: criteria provided, single submitter. Criteria: ACMG Guidelines, 2015. Collection method: clinical testing. Allele origin: unknown. Affected: yes.
Comment: This variant was classified as: Uncertain significance. The following ACMG criteria were applied in classifying this variant: PM2,PP3.

NM_022124.6(CDH23):c.1886A>T (p.Tyr629Phe)

Gene: CDH23 (cadherin related 23; plus strand). Cytogenetic location: 10q22.1.
Variant type: single nucleotide variant.
Coding change: c.1886A>T on transcript NM_022124.6 (MANE Select); coding-DNA position 1886, A replaced by T.
Protein change: p.Tyr629Phe; replaces tyrosine 629 with phenylalanine.
Molecular consequence: missense variant.
Genome position (GRCh38, 1-based): chr10:71,682,472, A>T. VCF-style: chr10-71682472-A-T. GRCh37 (hg19) VCF-style: chr10-73442229-A-T.
Other names: c.1886A>T, p.Tyr629Phe (NM_001171930.2, NM_001171931.2); short protein forms Y629F.
Identifiers: ClinVar variation 930840 (VCV000930840.7), dbSNP rs1297047638, ClinGen allele CA377132282.